The following is an entry in ClinVar:

ClinVar aggregate classification (germline): Uncertain significance. Review status: criteria provided, multiple submitters, no conflicts (2 of 4 stars). 2 submissions from 2 submitters: Uncertain significance (2). Last evaluated 2026-03-18.

Conditions:
Hereditary cancer-predisposing syndrome. Also called: Hereditary Cancer Syndrome; Neoplastic Syndromes, Hereditary; Tumor predisposition; Hereditary neoplastic syndrome. Identifiers: Orphanet 140162, MedGen C0027672, MeSH D009386, MONDO:0015356.
Familial adenomatous polyposis 1 (FAP1). Also called: FAMILIAL ADENOMATOUS POLYPOSIS 1, ATTENUATED; POLYPOSIS, ADENOMATOUS INTESTINAL. Identifiers: MedGen C2713442, MONDO:0021056, OMIM 175100. Disease mechanism: loss of function.

Submissions (2):

Ambry Genetics
Classification: Uncertain significance for Hereditary cancer-predisposing syndrome. Last evaluated: 2026-03-18. Review status: criteria provided, single submitter. Criteria: Ambry Variant Classification Scheme 2023. Collection method: clinical testing. Allele origin: germline.
Comment: The p.T1709A variant (also known as c.5125A>G), located in coding exon 15 of the APC gene, results from an A to G substitution at nucleotide position 5125. The threonine at codon 1709 is replaced by alanine, an amino acid with similar properties. This amino acid position is not well conserved in available vertebrate species. Missense variants in APC are not a common cause of disease (Spier I et al. Genet Med. 2024 Feb;26(2):100992). Based on the available evidence, the clinical significance of this variant remains unclear.

Labcorp Genetics (formerly Invitae), Labcorp
Classification: Uncertain significance for Familial adenomatous polyposis 1. Last evaluated: 2019-09-16. Review status: criteria provided, single submitter. Criteria: Invitae Variant Classification Sherloc (09022015). Collection method: clinical testing. Allele origin: germline.
Comment: This sequence change replaces threonine with alanine at codon 1709 of the APC protein (p.Thr1709Ala). The threonine residue is moderately conserved and there is a small physicochemical difference between threonine and alanine. In summary, the available evidence is currently insufficient to determine the role of this variant in disease. Therefore, it has been classified as a Variant of Uncertain Significance. Algorithms developed to predict the effect of sequence changes on RNA splicing suggest that this variant may create or strengthen a splice site, but this prediction has not been confirmed by published transcriptional studies. Algorithms developed to predict the effect of missense changes on protein structure and function output the following: SIFT: "Tolerated"; PolyPhen-2: "Benign"; Align-GVGD: "Class C0". The alanine amino acid residue is found in multiple mammalian species, suggesting that this missense change does not adversely affect protein function. These predictions have not been confirmed by published functional studies and their clinical significance is uncertain. This variant has not been reported in the literature in individuals with APC-related conditions. This variant is not present in population databases (ExAC no frequency).

NM_000038.6(APC):c.5125A>G (p.Thr1709Ala)

Gene: APC (APC regulator of Wnt signaling pathway; plus strand). Cytogenetic location: 5q22.2.
Variant type: single nucleotide variant.
Coding change: c.5125A>G on transcript NM_000038.6 (MANE Select); coding-DNA position 5125, A replaced by G.
Protein change: p.Thr1709Ala; replaces threonine 1709 with alanine.
Molecular consequence: missense variant.
Genome position (GRCh38, 1-based): chr5:112,840,719, A>G. VCF-style: chr5-112840719-A-G. GRCh37 (hg19) VCF-style: chr5-112176416-A-G.
Other names: c.5125A>G, p.Thr1709Ala (NM_001127510.3, NM_001354895.2); c.5071A>G, p.Thr1691Ala (NM_001127511.3); c.5179A>G, p.Thr1727Ala (NM_001354896.2); c.5155A>G, p.Thr1719Ala (NM_001354897.2); c.5050A>G, p.Thr1684Ala (NM_001354898.2); c.5041A>G, p.Thr1681Ala (NM_001354899.2); c.5002A>G, p.Thr1668Ala (NM_001354900.2); c.4948A>G, p.Thr1650Ala (NM_001354901.2); and 5 more; short protein forms T1426A, T1549A, T1618A, T1684A, T1719A, T1608A, T1583A, T1650A.
Identifiers: ClinVar variation 941949 (VCV000941949.12), dbSNP rs1554086463, ClinGen allele CA16032531.
Genomic context (GRCh38, chr5:112,840,719, plus strand): 5'-ACCATTCCTACAGAAGGCAGAAGTACAGATGAGGCTCAAGGAGGAAAAACCTCATCTGTA[A>G]CCATACCTGAATTGGATGACAATAAAGCAGAGGAAGGTGATATTCTTGCAGAATGCATTA-3'
Protein context (NP_000029.2, residues 1699-1719): EAQGGKTSSV[Thr1709Ala]IPELDDNKAE